The following is an entry in ClinVar:

NM_033026.6(PCLO):c.12343A>G (p.Met4115Val)

Gene: PCLO (piccolo presynaptic cytomatrix protein; minus strand). Cytogenetic location: 7q21.11.
Variant type: single nucleotide variant.
Coding change: c.12343A>G on transcript NM_033026.6 (MANE Select); coding-DNA position 12343, A replaced by G.
Protein change: p.Met4115Val; replaces methionine 4115 with valine.
Molecular consequence: missense variant.
Genome position (GRCh38, 1-based): chr7:82,915,643, T>C on the plus strand (A>G on the coding strand, the complement: PCLO is on the minus strand). VCF-style: chr7-82915643-T-C. GRCh37 (hg19) VCF-style: chr7-82544959-T-C.
Other names: c.12343A>G, p.Met4115Val (NM_014510.3); short protein forms M4115V.
Identifiers: ClinVar variation 1386487 (VCV001386487.7), dbSNP rs748442318, ClinGen allele CA4319389.
Genomic context (GRCh38, chr7:82,915,643, plus strand): 5'-CTCTACGAAATTCCTGTTTAATCTGATGTTTCAGAAGCTTTAACTCGTAAGGATCCTCCA[T>C]TGGGTCTTCCTCCGCCTTCACATAACTATGCAATCTAGAGGAAGACTGTAAAGGTGCTAG-3'
Protein context (NP_149015.2, residues 4105-4125): HSYVKAEEDP[Met4115Val]EDPYELKLLK

ClinVar aggregate classification (germline): Uncertain significance (1 of 4 stars; one submission).

Allele frequency attached by ClinVar (database versions not stated): gnomAD exomes below 0.00001; ExAC 0.00001; gnomAD 0.00001; TOPMed 0.00001.

Submission:

Labcorp Genetics (formerly Invitae), Labcorp
Classification: Uncertain significance. Last evaluated: 2022-07-27. Review status: criteria provided, single submitter. Criteria: Invitae Variant Classification Sherloc (09022015). Collection method: clinical testing. Allele origin: germline.
Comment: In summary, the available evidence is currently insufficient to determine the role of this variant in disease. Therefore, it has been classified as a Variant of Uncertain Significance. Algorithms developed to predict the effect of missense changes on protein structure and function are either unavailable or do not agree on the potential impact of this missense change (SIFT: "Deleterious"; PolyPhen-2: "Not Available"; Align-GVGD: "Class C0"). ClinVar contains an entry for this variant (Variation ID: 1386487). This variant has not been reported in the literature in individuals affected with PCLO-related conditions. This variant is present in population databases (rs748442318, gnomAD 0.005%). This sequence change replaces methionine, which is neutral and non-polar, with valine, which is neutral and non-polar, at codon 4115 of the PCLO protein (p.Met4115Val).